The following is an entry in ClinVar:

NM_000548.5(TSC2):c.2633C>T (p.Pro878Leu)

Gene: TSC2 (TSC complex subunit 2; plus strand). Cytogenetic location: 16p13.3.
Variant type: single nucleotide variant.
Coding change: c.2633C>T on transcript NM_000548.5 (MANE Select); coding-DNA position 2633, C replaced by T.
Protein change: p.Pro878Leu; replaces proline 878 with leucine.
Molecular consequence: missense variant. On other transcripts: non-coding transcript variant (5).
Genome position (GRCh38, 1-based): chr16:2,075,886, C>T. VCF-style: chr16-2075886-C-T. GRCh37 (hg19) VCF-style: chr16-2125887-C-T.
Other names: c.2522C>T, p.Pro841Leu (NM_001406670.1, NM_001406678.1, NM_001318827.2); c.2621C>T, p.Pro874Leu (NM_001406671.1, NM_001406673.1); c.2486C>T, p.Pro829Leu (NM_001406675.1, NM_001406676.1, NM_001406679.1 and 1 more transcripts); c.2576C>T, p.Pro859Leu (NM_001406677.1); c.2033C>T, p.Pro678Leu (NM_001406680.1, NM_001318831.2, NM_001406682.1 and 6 more transcripts); c.2171C>T, p.Pro724Leu (NM_001406681.1); c.2633C>T, p.Pro878Leu (NM_001077183.3, NM_001114382.3, NM_001363528.2 and 6 more transcripts); c.2666C>T, p.Pro889Leu (NM_001318832.2); and 3 more; short protein forms P430L, P678L, P724L, P829L, P841L, P859L, P889L, P908L.
Identifiers: ClinVar variation 2741875 (VCV002741875.6), dbSNP rs1060500925, ClinGen allele CA394278476.

ClinVar aggregate classification (germline): Uncertain significance. Review status: criteria provided, multiple submitters, no conflicts (2 of 4 stars). 4 submissions from 4 submitters: Uncertain significance (4). Last evaluated 2025-08-30.

Conditions:
Hereditary cancer-predisposing syndrome. Also called: Hereditary neoplastic syndrome; Hereditary Cancer Syndrome; Neoplastic Syndromes, Hereditary; Tumor predisposition. Identifiers: Orphanet 140162, MedGen C0027672, MeSH D009386, MONDO:0015356.
Tuberous sclerosis syndrome (TSC). Also called: Tuberous Sclerosis Complex; Tuberous sclerosis. Identifiers: Orphanet 805, MedGen C0041341, MONDO:0001734.
Tuberous sclerosis 2 (TSC2). Identifiers: Orphanet 805, MedGen C1860707, MONDO:0013199, OMIM 613254.

Submissions (4):

Color Diagnostics, LLC DBA Color Health
Classification: Uncertain significance for Tuberous sclerosis syndrome. Last evaluated: 2025-08-30. Review status: criteria provided, single submitter. Criteria: ACMG Guidelines, 2015. Collection method: clinical testing. Allele origin: germline.
Comment: This missense variant replaces proline with leucine at codon 878 of the TSC2 protein. Computational prediction suggests that this variant may have deleterious impact on protein structure and function. To our knowledge, functional studies have not been reported for this variant. This variant has not been reported in individuals affected with TSC2-related disorders in the literature. This variant has not been identified in the general population by the Genome Aggregation Database (gnomAD). The available evidence is insufficient to determine the role of this variant in disease conclusively. Therefore, this variant is classified as a Variant of Uncertain Significance.

Ambry Genetics
Classification: Uncertain significance for Hereditary cancer-predisposing syndrome. Last evaluated: 2025-03-05. Review status: criteria provided, single submitter. Criteria: Ambry Variant Classification Scheme 2023. Collection method: clinical testing. Allele origin: germline.
Comment: The p.P878L variant (also known as c.2633C>T), located in coding exon 22 of the TSC2 gene, results from a C to T substitution at nucleotide position 2633. The proline at codon 878 is replaced by leucine, an amino acid with similar properties. This amino acid position is highly conserved in available vertebrate species. In addition, this alteration is predicted to be deleterious by in silico analysis. Based on the available evidence, the clinical significance of this variant remains unclear.

Labcorp Genetics (formerly Invitae), Labcorp
Classification: Uncertain significance for Tuberous sclerosis 2. Last evaluated: 2024-11-06. Review status: criteria provided, single submitter. Criteria: Invitae Variant Classification Sherloc (09022015). Collection method: clinical testing. Allele origin: germline.
Comment: This sequence change replaces proline, which is neutral and non-polar, with leucine, which is neutral and non-polar, at codon 878 of the TSC2 protein (p.Pro878Leu). This variant is not present in population databases (gnomAD no frequency). This variant has not been reported in the literature in individuals affected with TSC2-related conditions. ClinVar contains an entry for this variant (Variation ID: 2741875). Invitae Evidence Modeling of protein sequence and biophysical properties (such as structural, functional, and spatial information, amino acid conservation, physicochemical variation, residue mobility, and thermodynamic stability) has been performed for this missense variant. However, the output from this modeling did not meet the statistical confidence thresholds required to predict the impact of this variant on TSC2 protein function. In summary, the available evidence is currently insufficient to determine the role of this variant in disease. Therefore, it has been classified as a Variant of Uncertain Significance.

GeneDx
Classification: Uncertain significance. Last evaluated: 2024-03-28. Review status: criteria provided, single submitter. Criteria: GeneDx Variant Classification Process June 2021. Collection method: clinical testing. Allele origin: germline. Affected: yes.
Comment: Not observed at significant frequency in large population cohorts (gnomAD); In silico analysis supports that this missense variant has a deleterious effect on protein structure/function; Has not been previously published as pathogenic or benign to our knowledge